The following is an entry in ClinVar:

ClinVar aggregate classification (germline): Pathogenic (1 of 4 stars; one submission).

Conditions:
Neurofibromatosis, type 1 (NF1). Also called: Neurofibromatosis, type I; Peripheral type neurofibromatosis; VON RECKLINGHAUSEN DISEASE; NEUROFIBROMATOSIS, TYPE I, SOMATIC. Identifiers: Orphanet 636, MedGen C0027831, MONDO:0018975, OMIM 162200. Disease mechanism: loss of function.

Submission:

Labcorp Genetics (formerly Invitae), Labcorp
Classification: Pathogenic for Neurofibromatosis, type 1. Last evaluated: 2023-03-14. Review status: criteria provided, single submitter. Criteria: Invitae Variant Classification Sherloc (09022015). Collection method: clinical testing. Allele origin: germline.
Comment: This premature translational stop signal has been observed in individual(s) with NF1-related conditions (PMID: 15060124). For these reasons, this variant has been classified as Pathogenic. This variant is not present in population databases (gnomAD no frequency). This sequence change creates a premature translational stop signal (p.Leu1253Profs*9) in the NF1 gene. It is expected to result in an absent or disrupted protein product. Loss-of-function variants in NF1 are known to be pathogenic (PMID: 10712197, 23913538).

Literature cited by the submitters: PubMed 15060124; PubMed 10712197; PubMed 23913538.

NM_001042492.3(NF1):c.3758_3762del (p.Leu1253fs)

Gene: NF1 (neurofibromin 1; plus strand). Cytogenetic location: 17q11.2.
Variant type: Deletion.
Coding change: c.3758_3762del on transcript NM_001042492.3 (MANE Select); coding-DNA positions 3758 to 3762, 5 bases deleted (TCTAC; older notation c.3758_3762delTCTAC).
Protein change: p.Leu1253fs; shifts the reading frame from leucine 1253.
Molecular consequence: frameshift variant.
Genome position (GRCh38, 1-based): chr17:31,235,660-31,235,664, TCTAC deleted; deleting any 5 consecutive bases within chr17:31,235,657-31,235,664 gives the same sequence; the c. name uses the placement nearest the transcript's 3' end. VCF-style (leftmost placement, unchanged base first): chr17-31235656-TTACTC-T. GRCh37 (hg19) VCF-style: chr17-29562674-TTACTC-T.
Other names: c.3758_3762delTCTAC, p.Leu1253Profs (NM_000267.4); short protein forms L1253fs.
Identifiers: ClinVar variation 2736544 (VCV002736544.3), dbSNP rs2508258739, ClinGen allele CA2695224926.